The following is an entry in ClinVar:

ClinVar aggregate classification (germline): Likely pathogenic (1 of 4 stars; one submission).

Conditions:
Autosomal recessive limb-girdle muscular dystrophy type 2J (LGMDR10). Also called: Limb-girdle muscular dystrophy, type 2J; MUSCULAR DYSTROPHY, LIMB-GIRDLE, AUTOSOMAL RECESSIVE 10. Identifiers: Orphanet 140922, MedGen C1837342, MONDO:0012127, OMIM 608807.
Dilated cardiomyopathy 1G (CMD1G). Identifiers: Orphanet 154, MedGen C1858763, MONDO:0011400, OMIM 604145.

Submission:

Labcorp Genetics (formerly Invitae), Labcorp
Classification: Likely pathogenic for Dilated cardiomyopathy 1G; Autosomal recessive limb-girdle muscular dystrophy type 2J. Last evaluated: 2025-07-20. Review status: criteria provided, single submitter. Criteria: Invitae Variant Classification Sherloc (09022015). Collection method: clinical testing. Allele origin: germline.
Comment: This sequence change creates a premature translational stop signal (p.Pro15057Leufs*5) in the TTN gene. While this is not anticipated to result in nonsense mediated decay, it is expected to create a truncated TTN protein. This variant is not present in population databases (gnomAD no frequency). This variant has not been reported in the literature in individuals affected with TTN-related conditions. This variant is located in the I band of TTN (PMID: 25589632). Truncating variants in this region have been reported in individuals affected with autosomal recessive centronuclear myopathy (PMID: 23975875, internal data). Truncating variants in this region have also been identified in individuals affected with autosomal dominant dilated cardiomyopathy and/or cardio-related conditions (PMID: 27869827, 32964742, internal data). In summary, the currently available evidence indicates that the variant is pathogenic, but additional data are needed to prove that conclusively. Therefore, this variant has been classified as Likely Pathogenic.

Literature cited by the submitters: PubMed 25589632; PubMed 23975875; PubMed 27869827; PubMed 32964742.

NM_001267550.2(TTN):c.45170del (p.Pro15057fs)

Genes: TTN (titin; minus strand), LOC126806427 (BRD4-independent group 4 enhancer GRCh37_chr2:179485777-179486976; plus strand). Cytogenetic location: 2q31.2.
Variant type: Deletion.
Coding change: c.45170del on transcript NM_001267550.2 (MANE Select); coding-DNA position 45170, one base deleted (C; older notation c.45170delC).
Protein change: p.Pro15057fs; shifts the reading frame from proline 15057.
Molecular consequence: frameshift variant.
Genome position (GRCh38, 1-based): chr2:178,621,654, G deleted on the plus strand (C on the coding strand, the reverse complement: TTN is on the minus strand); the first of 2 consecutive G bases (chr2:178,621,654-178,621,655); deleting either gives the same sequence. VCF-style (leftmost placement, unchanged base first): chr2-178621653-AG-A. GRCh37 (hg19) VCF-style: chr2-179486380-AG-A.
Other names: c.40247del, p.Pro13416fs (NM_001256850.1); c.17975del, p.Pro5992fs (NM_003319.4); c.37466del, p.Pro12489fs (NM_133378.4); c.18350del, p.Pro6117fs (NM_133432.3); c.18551del, p.Pro6184fs (NM_133437.4); short protein forms P13416fs, P15057fs, P6117fs, P6184fs, P12489fs, P5992fs.
Identifiers: ClinVar variation 4785551 (VCV004785551.1).
Genomic context (GRCh38, chr2:178,621,653, plus strand): 5'-TTCATATCTTCCTGTTTCAATGATCTCCTCATCCCCTTTATACCAAATCACTTCTGCGCC[AG>A]GTTTGGAGACTTCACAAACCAGTTTTATAGTGTCTGTTTCACTAACTTCAATGTTGGCAA-3'